The following is an entry in ClinVar:

ClinVar aggregate classification (germline): Conflicting classifications of pathogenicity. Review status: criteria provided, conflicting classifications (1 of 4 stars). 2 submissions from 2 submitters: Pathogenic (1); Uncertain significance (1). Last evaluated 2025-10-09.

Submissions (2):

Labcorp Genetics (formerly Invitae), Labcorp
Classification: Pathogenic. Last evaluated: 2025-10-09. Review status: criteria provided, single submitter. Criteria: Invitae Variant Classification Sherloc (09022015). Collection method: clinical testing. Allele origin: germline.
Comment: This sequence change creates a premature translational stop signal (p.Leu2153Phefs*49) in the POLE gene. It is expected to result in an absent or disrupted protein product. Loss-of-function variants in POLE are known to be pathogenic (PMID: 23230001, 25948378, 30503519). This variant is not present in population databases (gnomAD no frequency). This variant has not been reported in the literature in individuals affected with POLE-related conditions. ClinVar contains an entry for this variant (Variation ID: 420648). For these reasons, this variant has been classified as Pathogenic.

GeneDx
Classification: Uncertain significance. Last evaluated: 2016-03-08. Review status: criteria provided, single submitter. Criteria: GeneDx Variant Classification (06012015). Collection method: clinical testing. Allele origin: germline. Affected: yes.
Comment: This deletion of one nucleotide in POLE is denoted c.6457delC at the cDNA level and p.Leu2153PhefsX49 (L2153FfsX49) at the protein level. The normal sequence, with the base that is deleted in braces, is CGTG[C]TTCC. The deletion causes a frameshift which changes a Leucine to a Phenylalanine at codon 2153, and creates a premature stop codon at position 49 of the new reading frame. While some missense variants in POLE have been recognized as an underlying cause of Polymerase Proofreading-Associated Polyposis (PPAP), there are no data at this time to support that loss-of-function variants confer the same cancer risks. We therefore consider POLE c.6457delC to be a variant of uncertain significance with respect to cancer. To date, the majority of publications regarding POLE and colorectal cancer risk are confined to missense variants within the exonuclease domain (Palles 2013, Spier 2015). However, a splice variant and a frameshift variant have been reported. Pachlopnik Schmid et al. (2012) observed a splice variant at the +3 position in intron 34, in the homozygous state, in 11 family members with facial dysmorphism, immunodeficiency, livedo, and short stature (FILS) from a large consanguineous family; however, they noted that all heterozygous carriers were asymptomatic and did not have a history of cancer. As described above, facial dysmorphism, immunodeficiency, livedo, and short stature (FILS) appears to be a rare autosomal recessive condition associated with two loss-of-function variants in POLE (Pachlopnik Schmid 2012). For individuals and family members of reproductive age, assessment of the reproductive risk associated with being a carrier of a loss of function POLE variant may be considered.

Literature cited by the submitters: PubMed 23230001 (cited by Labcorp Genetics (formerly Invitae), Labcorp); PubMed 25948378 (cited by Labcorp Genetics (formerly Invitae), Labcorp); PubMed 30503519 (cited by Labcorp Genetics (formerly Invitae), Labcorp).

NM_006231.4(POLE):c.6457del (p.Leu2153fs)

Gene: POLE (DNA polymerase epsilon, catalytic subunit; minus strand). Cytogenetic location: 12q24.33.
Variant type: Deletion.
Coding change: c.6457del on transcript NM_006231.4 (MANE Select); coding-DNA position 6457, one base deleted (C; older notation c.6457delC).
Protein change: p.Leu2153fs; shifts the reading frame from leucine 2153.
Molecular consequence: frameshift variant.
Genome position (GRCh38, 1-based): chr12:132,626,191, G deleted on the plus strand (C on the coding strand, the reverse complement: POLE is on the minus strand). VCF-style (leftmost placement, unchanged base first): chr12-132626190-AG-A. GRCh37 (hg19) VCF-style: chr12-133202776-AG-A.
Other names: short protein forms L2153fs.
Identifiers: ClinVar variation 420648 (VCV000420648.3), dbSNP rs1064794611, ClinGen allele CA16619455.